The following is an entry in ClinVar:

ClinVar aggregate classification (germline): Likely benign (1 of 4 stars; one submission).

Allele frequency attached by ClinVar (database versions not stated): gnomAD exomes below 0.00001.

Submission:

CeGaT Center for Human Genetics Tuebingen
Classification: Likely benign. Last evaluated: 2023-11-01. Review status: criteria provided, single submitter. Criteria: CeGaT Center For Human Genetics Tuebingen Variant Classification Criteria Version 2. Collection method: clinical testing. Allele origin: germline. Affected: yes. Observed: 1 variant allele.
Comment: IPO13: BP4, BP7

NM_014652.4(IPO13):c.627A>C (p.Leu209=)

Gene: IPO13 (importin 13; plus strand). Cytogenetic location: 1p34.1.
Variant type: single nucleotide variant.
Coding change: c.627A>C on transcript NM_014652.4 (MANE Select); coding-DNA position 627, A replaced by C.
Protein change: p.Leu209=; no amino-acid change (leucine 209 retained).
Molecular consequence: synonymous variant.
Genome position (GRCh38, 1-based): chr1:43,949,959, A>C. VCF-style: chr1-43949959-A-C. GRCh37 (hg19) VCF-style: chr1-44415631-A-C.
Identifiers: ClinVar variation 2638762 (VCV002638762.24), dbSNP rs1415817694, ClinGen allele CA417555788.